The following is an entry in ClinVar:

NM_176787.5(PIGN):c.858G>A (p.Trp286Ter)

Gene: PIGN (phosphatidylinositol glycan anchor biosynthesis class N; minus strand). Cytogenetic location: 18q21.33.
Variant type: single nucleotide variant.
Coding change: c.858G>A on transcript NM_176787.5 (MANE Select); coding-DNA position 858, G replaced by A.
Protein change: p.Trp286Ter; replaces tryptophan 286 with a stop codon.
Molecular consequence: nonsense.
Genome position (GRCh38, 1-based): chr18:62,145,973, C>T on the plus strand (G>A on the coding strand, the complement: PIGN is on the minus strand). VCF-style: chr18-62145973-C-T. GRCh37 (hg19) VCF-style: chr18-59813206-C-T.
Other names: c.858G>A, p.Trp286Ter (NM_012327.6); c.858G>A (NM_176787.4); short protein forms W286*.
Identifiers: ClinVar variation 3619707 (VCV003619707.3).

ClinVar aggregate classification (germline): Pathogenic/Likely pathogenic. Review status: criteria provided, multiple submitters, no conflicts (2 of 4 stars). 2 submissions from 2 submitters: Pathogenic (1); Likely pathogenic (1). Last evaluated 2025-06-26.

Conditions:
Multiple congenital anomalies-hypotonia-seizures syndrome 1 (MCAHS1). Also called: PIGN-CDG; Congenital disorder of glycosylation due to PIGN deficiency; GLYCOSYLPHOSPHATIDYLINOSITOL BIOSYNTHESIS DEFECT 3. Identifiers: Orphanet 280633, MedGen C3279775, MONDO:0013563, OMIM 614080.

Submissions (2):

GeneDx
Classification: Likely pathogenic. Last evaluated: 2025-06-26. Review status: criteria provided, single submitter. Criteria: GeneDx Variant Classification Process June 2021. Collection method: clinical testing. Allele origin: germline. Affected: yes.
Comment: Nonsense variant predicted to result in protein truncation or nonsense mediated decay in a gene for which loss of function is a known mechanism of disease; Not observed at significant frequency in large population cohorts (gnomAD); Has not been previously published as pathogenic or benign to our knowledge

Labcorp Genetics (formerly Invitae), Labcorp
Classification: Pathogenic for Multiple congenital anomalies-hypotonia-seizures syndrome 1. Last evaluated: 2024-11-27. Review status: criteria provided, single submitter. Criteria: Invitae Variant Classification Sherloc (09022015). Collection method: clinical testing. Allele origin: germline.
Comment: This sequence change creates a premature translational stop signal (p.Trp286*) in the PIGN gene. It is expected to result in an absent or disrupted protein product. Loss-of-function variants in PIGN are known to be pathogenic (PMID: 24253414, 27038415). This variant is not present in population databases (gnomAD no frequency). This variant has not been reported in the literature in individuals affected with PIGN-related conditions. For these reasons, this variant has been classified as Pathogenic.

Literature cited by the submitters: PubMed 24253414 (cited by Labcorp Genetics (formerly Invitae), Labcorp); PubMed 27038415 (cited by Labcorp Genetics (formerly Invitae), Labcorp).